The following is an entry in ClinVar:

NM_006035.4(CDC42BPB):c.4549T>C (p.Cys1517Arg)

Gene: CDC42BPB (CDC42 binding protein kinase beta; minus strand). Cytogenetic location: 14q32.32.
Variant type: single nucleotide variant.
Coding change: c.4549T>C on transcript NM_006035.4 (MANE Select); coding-DNA position 4549, T replaced by C.
Protein change: p.Cys1517Arg; replaces cysteine 1517 with arginine.
Molecular consequence: missense variant.
Genome position (GRCh38, 1-based): chr14:102,940,088, A>G on the plus strand (T>C on the coding strand, the complement: CDC42BPB is on the minus strand). VCF-style: chr14-102940088-A-G. GRCh37 (hg19) VCF-style: chr14-103406425-A-G.
Other names: c.4471T>C, p.Cys1491Arg (NM_001411054.1); short protein forms C1491R, C1517R.
Identifiers: ClinVar variation 2663587 (VCV002663587.1), dbSNP rs1891822816, ClinGen allele CA391073332.

ClinVar aggregate classification (germline): Uncertain significance (1 of 4 stars; one submission).

Allele frequency attached by ClinVar (database versions not stated): gnomAD exomes below 0.00001; TOPMed below 0.00001.
gnomAD v4.1: 1 of 1,613,916 alleles (0.000062%); highest among the groups gnomAD compares: African/African-American, 0.0013%; no homozygotes.

Submission:

GeneDx
Classification: Uncertain significance. Last evaluated: 2023-04-25. Review status: criteria provided, single submitter. Criteria: GeneDx Variant Classification Process June 2021. Collection method: clinical testing. Allele origin: germline. Affected: yes.
Comment: Not observed at significant frequency in large population cohorts (gnomAD); In silico analysis supports that this missense variant does not alter protein structure/function; Has not been previously published as pathogenic or benign to our knowledge